The following is an entry in ClinVar:

ClinVar aggregate classification (germline): Uncertain significance (1 of 4 stars; one submission).

Conditions:
Renal cell carcinoma (RCCP1). Identifiers: Orphanet 217071, MedGen C0007134, MeSH D002292, MONDO:0005086, HP:0005584.

Submission:

Labcorp Genetics (formerly Invitae), Labcorp
Classification: Uncertain significance for Renal cell carcinoma. Last evaluated: 2021-08-30. Review status: criteria provided, single submitter. Criteria: Invitae Variant Classification Sherloc (09022015). Collection method: clinical testing. Allele origin: germline.
Comment: This sequence change replaces phenylalanine with leucine at codon 535 of the MET protein (p.Phe535Leu). The phenylalanine residue is moderately conserved and there is a small physicochemical difference between phenylalanine and leucine. This variant is not present in population databases (ExAC no frequency). This variant has not been reported in the literature in individuals affected with MET-related conditions. Algorithms developed to predict the effect of missense changes on protein structure and function are either unavailable or do not agree on the potential impact of this missense change (SIFT: "Tolerated"; PolyPhen-2: "Probably Damaging"; Align-GVGD: "Class C0"). In summary, the available evidence is currently insufficient to determine the role of this variant in disease. Therefore, it has been classified as a Variant of Uncertain Significance.

NM_000245.4(MET):c.1603T>C (p.Phe535Leu)

Gene: MET (MET proto-oncogene, receptor tyrosine kinase; plus strand). Cytogenetic location: 7q31.2.
Variant type: single nucleotide variant.
Coding change: c.1603T>C on transcript NM_000245.4 (MANE Select); coding-DNA position 1603, T replaced by C.
Protein change: p.Phe535Leu; replaces phenylalanine 535 with leucine.
Molecular consequence: missense variant.
Genome position (GRCh38, 1-based): chr7:116,740,927, T>C. VCF-style: chr7-116740927-T-C. GRCh37 (hg19) VCF-style: chr7-116380981-T-C.
Other names: c.1603T>C, p.Phe535Leu (NM_001127500.3, NM_001324401.3); c.313T>C, p.Phe105Leu (NM_001324402.2); short protein forms F105L, F535L.
Identifiers: ClinVar variation 1045850 (VCV001045850.6), dbSNP rs1793422722, ClinGen allele CA368975396.